The following is an entry in ClinVar:

ClinVar aggregate classification (germline): Uncertain significance (0 of 4 stars; one submission).

Conditions:
DSTYK-related disorder. Also called: DSTYK-related condition.

gnomAD v4.1: 2 of 1,614,060 alleles (0.00012%); highest among the groups gnomAD compares: African/African-American, 0.0013%; no homozygotes.

Submission:

PreventionGenetics, part of Exact Sciences
Classification: Uncertain significance for DSTYK-related condition. Last evaluated: 2024-03-19. Review status: no assertion criteria provided. Collection method: clinical testing. Allele origin: germline.
Comment: The DSTYK c.1729A>C variant is predicted to result in the amino acid substitution p.Ser577Arg. To our knowledge, this variant has not been reported in the literature or in a large population database, indicating this variant is rare. At this time, the clinical significance of this variant is uncertain due to the absence of conclusive functional and genetic evidence.

NM_015375.3(DSTYK):c.1729A>C (p.Ser577Arg)

Gene: DSTYK (dual serine/threonine and tyrosine protein kinase; minus strand). Cytogenetic location: 1q32.1.
Variant type: single nucleotide variant.
Coding change: c.1729A>C on transcript NM_015375.3 (MANE Select); coding-DNA position 1729, A replaced by C.
Protein change: p.Ser577Arg; replaces serine 577 with arginine.
Molecular consequence: missense variant.
Genome position (GRCh38, 1-based): chr1:205,162,125, T>G on the plus strand (A>C on the coding strand, the complement: DSTYK is on the minus strand). VCF-style: chr1-205162125-T-G. GRCh37 (hg19) VCF-style: chr1-205131253-T-G.
Other names: c.1729A>C, p.Ser577Arg (NM_199462.3); short protein forms S577R.
Identifiers: ClinVar variation 3354278 (VCV003354278.1).
Genomic context (GRCh38, chr1:205,162,125, plus strand): 5'-GGGAACTATTGAGCCGAGTCCGGAATTGGCTGCAAATGCTCTTAGCCAATTTGGAGGCGC[T>G]GAGGCTCTCAATGGCTTCCTGGGCCACCTTCCTCTTCCATTCCAGAGTGATGGCAGGTGG-3'
Protein context (NP_056190.1, residues 567-587): KVAQEAIESL[Ser577Arg]ASKLAKSICS